The following is an entry in ClinVar:

NM_024408.4(NOTCH2):c.3391A>G (p.Asn1131Asp)

Gene: NOTCH2 (notch receptor 2; minus strand). Cytogenetic location: 1p12.
Variant type: single nucleotide variant.
Coding change: c.3391A>G on transcript NM_024408.4 (MANE Select); coding-DNA position 3391, A replaced by G.
Protein change: p.Asn1131Asp; replaces asparagine 1131 with aspartic acid.
Molecular consequence: missense variant.
Genome position (GRCh38, 1-based): chr1:119,937,413, T>C on the plus strand (A>G on the coding strand, the complement: NOTCH2 is on the minus strand). VCF-style: chr1-119937413-T-C. GRCh37 (hg19) VCF-style: chr1-120480036-T-C.
Other names: c.3391A>G, p.Asn1131Asp (NM_001200001.2); short protein forms N1131D.
Identifiers: ClinVar variation 3695167 (VCV003695167.2).

ClinVar aggregate classification (germline): Uncertain significance (1 of 4 stars; one submission).

Conditions:
Hajdu-Cheney syndrome (HJCYS). Also called: ACROOSTEOLYSIS WITH OSTEOPOROSIS AND CHANGES IN SKULL AND MANDIBLE; Acroosteolysis dominant type; SERPENTINE FIBULA-POLYCYSTIC KIDNEY SYNDROME. Identifiers: Orphanet 955, MedGen C0917715, MONDO:0007057, OMIM 102500.

gnomAD v4.1: 1 of 1,614,128 alleles (0.000062%); highest among the groups gnomAD compares: Non-Finnish European, 0.000085%; no homozygotes.

Submission:

Labcorp Genetics (formerly Invitae), Labcorp
Classification: Uncertain significance for Hajdu-Cheney syndrome. Last evaluated: 2024-04-09. Review status: criteria provided, single submitter. Criteria: Invitae Variant Classification Sherloc (09022015). Collection method: clinical testing. Allele origin: germline.
Comment: This sequence change replaces asparagine, which is neutral and polar, with aspartic acid, which is acidic and polar, at codon 1131 of the NOTCH2 protein (p.Asn1131Asp). This variant is not present in population databases (gnomAD no frequency). This variant has not been reported in the literature in individuals affected with NOTCH2-related conditions. Advanced modeling of protein sequence and biophysical properties (such as structural, functional, and spatial information, amino acid conservation, physicochemical variation, residue mobility, and thermodynamic stability) performed at Invitae indicates that this missense variant is not expected to disrupt NOTCH2 protein function with a negative predictive value of 80%. In summary, the available evidence is currently insufficient to determine the role of this variant in disease. Therefore, it has been classified as a Variant of Uncertain Significance.